The following is an entry in ClinVar:

ClinVar aggregate classification (germline): Conflicting classifications of pathogenicity. Review status: criteria provided, conflicting classifications (1 of 4 stars). 2 submissions from 2 submitters: Likely pathogenic (1); Uncertain significance (1). Last evaluated 2021-05-21.

Conditions:
CYFIP2-related neurodevelopmental disorders.

Allele frequency attached by ClinVar (database versions not stated): gnomAD 0.00001.

Submissions (2):

Labcorp Genetics (formerly Invitae), Labcorp
Classification: Uncertain significance. Last evaluated: 2021-05-21. Review status: criteria provided, single submitter. Criteria: Invitae Variant Classification Sherloc (09022015). Collection method: clinical testing. Allele origin: germline.
Comment: In summary, the available evidence is currently insufficient to determine the role of this variant in disease. Therefore, it has been classified as a Variant of Uncertain Significance. Algorithms developed to predict the effect of missense changes on protein structure and function are either unavailable or do not agree on the potential impact of this missense change (SIFT: "Deleterious"; PolyPhen-2: "Not Available"; Align-GVGD: "Class C0"). This variant has not been reported in the literature in individuals with CYFIP2-related conditions. ClinVar contains an entry for this variant (Variation ID: 973327). This variant is not present in population databases (ExAC no frequency). This sequence change replaces arginine with tryptophan at codon 562 of the CYFIP2 protein (p.Arg562Trp). The arginine residue is highly conserved and there is a moderate physicochemical difference between arginine and tryptophan.

Illumina Laboratory Services, Illumina
Classification: Likely pathogenic for CYFIP2-related neurodevelopmental disorders. Last evaluated: 2019-10-14. Review status: criteria provided, single submitter. Criteria: ICSLVariantClassificationCriteria RUGD 01 April 2020. Collection method: clinical testing. Allele origin: unknown.
Comment: The CYFIP2 c.1759C>T (p.Arg587Trp) variant is a missense variant. A literature search was performed for the gene, cDNA change, and amino acid change. No publications were found based on this search. This variant is not found in the Genome Aggregation Database despite good sequence coverage, so the variant is presumed to be rare. The Arg587 residue is located in the FragX_IP interacting domain (Zweier et al. 2019). Based on the de novo nature of the variant and application of ACMG criteria, the p.Arg587Trp is classified as likely pathogenic for CYFIP2-related neurodevelopmental disorders.

Literature cited by the submitters: PubMed 30664714 (cited by Illumina Laboratory Services, Illumina).

NM_001037333.3(CYFIP2):c.1684C>T (p.Arg562Trp)

Gene: CYFIP2 (cytoplasmic FMR1 interacting protein 2; plus strand). Cytogenetic location: 5q33.3.
Variant type: single nucleotide variant.
Coding change: c.1684C>T on transcript NM_001037333.3 (MANE Select); coding-DNA position 1684, C replaced by T.
Protein change: p.Arg562Trp; replaces arginine 562 with tryptophan.
Molecular consequence: missense variant.
Genome position (GRCh38, 1-based): chr5:157,323,933, C>T. VCF-style: chr5-157323933-C-T. GRCh37 (hg19) VCF-style: chr5-156750941-C-T.
Other names: c.1606C>T, p.Arg536Trp (NM_001291721.2); c.1759C>T, p.Arg587Trp (NM_001291722.2); c.1684C>T, p.Arg562Trp (NM_014376.4); short protein forms R587W, R536W, R562W.
Identifiers: ClinVar variation 973327 (VCV000973327.11), dbSNP rs1663188420, ClinGen allele CA361969701.